The following is an entry in ClinVar:

NM_207346.3(TSEN54):c.1535del (p.Phe512fs)

Gene: TSEN54 (tRNA splicing endonuclease subunit 54; plus strand). Cytogenetic location: 17q25.1.
Variant type: Deletion.
Coding change: c.1535del on transcript NM_207346.3 (MANE Select); coding-DNA position 1535, one base deleted (T; older notation c.1535delT).
Protein change: p.Phe512fs; shifts the reading frame from phenylalanine 512.
Molecular consequence: frameshift variant.
Genome position (GRCh38, 1-based): chr17:75,524,366, T deleted; the last of 2 consecutive T bases (chr17:75,524,365-75,524,366); deleting either gives the same sequence. VCF-style (leftmost placement, unchanged base first): chr17-75524364-CT-C. GRCh37 (hg19) VCF-style: chr17-73520445-CT-C.
Other names: short protein forms F512fs.
Identifiers: ClinVar variation 1329073 (VCV001329073.1), dbSNP rs2147019791, ClinGen allele CA2573054578.
Genomic context (GRCh38, chr17:75,524,364, plus strand): 5'-GTCTTACCAGAGTGGGGATGTCCCTCTGATCTTTGCCCTGGTGGATCATGGTGACATCTC[CT>C]TCTACAGCTTCAGGGACTTCACGTTGCCCCAGGATGTGGGGCACTGACCTCACAGCTCTG-3'

ClinVar aggregate classification (germline): Likely pathogenic (1 of 4 stars; one submission).

Conditions:
Pontoneocerebellar hypoplasia. Also called: Non-syndromic pontocerebellar hypoplasia; Pontocerebellar hypoplasia. Identifiers: Orphanet 98523, MedGen C1261175, MONDO:0020135.

Submission:

Women's Health and Genetics/Laboratory Corporation of America, LabCorp
Classification: Likely pathogenic for Pontoneocerebellar hypoplasia. Last evaluated: 2021-11-10. Review status: criteria provided, single submitter. Criteria: LabCorp Variant Classification Summary - May 2015. Collection method: clinical testing. Allele origin: germline.
Comment: Variant summary: TSEN54 c.1535delT (p.Phe512SerfsX70) causes a frameshift which results in an extension of the protein. The variant was absent in 251474 control chromosomes (gnomAD). To our knowledge, no occurrence of c.1535delT in individuals affected with Pontocerebellar Hypoplasia and no experimental evidence demonstrating its impact on protein function have been reported. No clinical diagnostic laboratories have submitted clinical-significance assessments for this variant to ClinVar after 2014. Based on the evidence outlined above, the variant was classified as likely pathogenic.